The following is an entry in ClinVar:

ClinVar aggregate classification (germline): Likely benign (0 of 4 stars; one submission).

Conditions:
Polycystic kidney disease. Also called: Kidney, Polycystic; Polycystic kidney dysplasia. Identifiers: MedGen C0022680, MeSH D007690, MONDO:0020642, HP:0000113.

Allele frequency attached by ClinVar (database versions not stated): gnomAD exomes 0.00028; gnomAD 0.00081 and 0.00095; TOPMed 0.00125.
gnomAD v4.1: 164 of 216,268 alleles (0.076%); highest among the groups gnomAD compares: Middle Eastern, 1.9%; no homozygotes.

Submission:

Department of Pathology and Laboratory Medicine, Sinai Health System
Classification: Likely benign for Polycystic Kidney disease. Review status: no assertion criteria provided. Collection method: clinical testing. Allele origin: unknown. Affected: yes. Observed: 3 variant alleles. Study: The Canadian Open Genetics Repository (COGR).
Comment: The PKD1, Promoter region, c.-195G>A variant was not identified in the literature nor was it identified in dbSNP, NHLBI GO Exome Sequencing Project, Exome Aggregation Consortium database (March 14, 2016) Clinvitae, ClinVar, GeneInsight COGR, MutDB, ADPKD Mutation Database PKD1-LOVD and PKD1-LOVD 3.0 databases. To identify conserved putative transcription factor-binding sites, a study cloned and characterized the 5'-flanking regions of the murine and canine Pkd1 genes and performed a multispecies comparison by including sequences from the human and Fugu rubripes orthologues as well as the Pkd2 promoters from mouse and human. Sequence analysis revealed a variety of conserved putative binding sites for transcription factors and no TATA-box element. Nine elements were conserved in the mammalian Pkd1 promoters: AP2, E2F, E-Box, EGRF, ETS, MINI, MZF1, SP1, and ZBP-89. Interestingly, six of these elements were also found in the mammalian Pkd2 promoters. Deletion studies with the mouse Pkd1 promoter showed that a approximately 280 bp fragment is capable of driving luciferase reporter gene expression, whereas reporter constructs containing larger fragments of the Pkd1 promoter showed a lower activity. Furthermore, mutating a potential E2F-binding site within this 280 bp fragment diminished the reporter construct activity, suggesting a role for E2F in regulating cell cycle-dependent expression of the Pkd1 gene. The data define a functional promoter region for Pkd1 and imply that E2F, EGRF, Ets, MZF1, Sp1, and ZBP-89 are potential key regulators of PKD1 and PKD2 in mammals (Lantinga-van Leeuwen 2005). In summary, based on the above information, the clinical significance of this variant cannot be determined with certainty at this time. This variant is classified as a Likely Benign.

NM_001009944.3(PKD1):c.-195G>A

Genes: PKD1 (polycystin 1, transient receptor potential channel interacting; minus strand), LOC130058212 (ATAC-STARR-seq lymphoblastoid silent region 7025; plus strand). Cytogenetic location: 16p13.3.
Variant type: single nucleotide variant.
Coding change: c.-195G>A on transcript NM_001009944.3 (MANE Select); 195 bases upstream of the start codon, G replaced by A.
Molecular consequence: 5 prime UTR variant.
Genome position (GRCh38, 1-based): chr16:2,135,884, C>T on the plus strand (G>A on the coding strand, the complement: PKD1 is on the minus strand). VCF-style: chr16-2135884-C-T. GRCh37 (hg19) VCF-style: chr16-2185885-C-T.
Other names: c.-195G>A (NM_000296.4).
Identifiers: ClinVar variation 433936 (VCV000433936.3), dbSNP rs867790304, ClinGen allele CA276756759.
Genomic context (GRCh38, chr16:2,135,884, plus strand): 5'-CGACGCCCGCTCGGGGCTCGGGGCCAGGCCGCTCCGGGAGCTCGGCCGCCCGCTCGGACG[C>T]TGGCGCTGCAGTGCGGGCCCCGCCGCGGCTCCTCCTCCTCCTCCCCGCGCGGCGCGGGGC-3'